The following is an entry in ClinVar:

NM_004565.3(PEX14):c.32G>A (p.Ser11Asn)

Gene: PEX14 (peroxisomal biogenesis factor 14; plus strand). Cytogenetic location: 1p36.22.
Variant type: single nucleotide variant.
Coding change: c.32G>A on transcript NM_004565.3 (MANE Select); coding-DNA position 32, G replaced by A.
Protein change: p.Ser11Asn; replaces serine 11 with asparagine.
Molecular consequence: missense variant.
Genome position (GRCh38, 1-based): chr1:10,474,998, G>A. VCF-style: chr1-10474998-G-A. GRCh37 (hg19) VCF-style: chr1-10535055-G-A.
Other names: short protein forms S11N.
Identifiers: ClinVar variation 1350486 (VCV001350486.3), dbSNP rs2124356828, ClinGen allele CA338357202.
Genomic context (GRCh38, chr1:10,474,998, plus strand): 5'-CGGCGGTTGATTAGTCAGGCCTCAGAAAGATGGCGTCCTCGGAGCAGGCAGAGCAGCCGA[G>A]CCAGGTAAGGGGAGTGGGACTGCCCCGCTGTGCGGCGGAGACCCCGGCTGGAGGGGGCGC-3'
Protein context (NP_004556.1, residues 1-21): MASSEQAEQP[Ser11Asn]QPSSTPGSEN

ClinVar aggregate classification (germline): Uncertain significance (1 of 4 stars; one submission).

Conditions:
Peroxisome biogenesis disorder, complementation group K (CGK). Identifiers: MedGen C1866257, MONDO:0800365.

Allele frequency attached by ClinVar (database versions not stated): gnomAD exomes below 0.00001.
gnomAD v4.1: 4 of 1,610,146 alleles (0.00025%); highest among the groups gnomAD compares: East Asian, 0.0022%; no homozygotes.

Submission:

Labcorp Genetics (formerly Invitae), Labcorp
Classification: Uncertain significance for Peroxisome biogenesis disorder, complementation group K. Last evaluated: 2022-07-05. Review status: criteria provided, single submitter. Criteria: Invitae Variant Classification Sherloc (09022015). Collection method: clinical testing. Allele origin: germline.
Comment: This sequence change replaces serine, which is neutral and polar, with asparagine, which is neutral and polar, at codon 11 of the PEX14 protein (p.Ser11Asn). This variant is not present in population databases (gnomAD no frequency). This variant has not been reported in the literature in individuals affected with PEX14-related conditions. ClinVar contains an entry for this variant (Variation ID: 1350486). Algorithms developed to predict the effect of missense changes on protein structure and function output the following: SIFT: "Tolerated"; PolyPhen-2: "Not Available"; Align-GVGD: "Class C0". The asparagine amino acid residue is found in multiple mammalian species, which suggests that this missense change does not adversely affect protein function. In summary, the available evidence is currently insufficient to determine the role of this variant in disease. Therefore, it has been classified as a Variant of Uncertain Significance.